The following is an entry in ClinVar:

ClinVar aggregate classification (germline): Benign/Likely benign. Review status: criteria provided, multiple submitters, no conflicts (2 of 4 stars). 3 submissions from 3 submitters: Benign (1); Likely benign (2). Last evaluated 2026-06-01.

Conditions:
SRP54-related disorder. Also called: SRP54-related condition.

Allele frequency attached by ClinVar (database versions not stated): gnomAD 0.00003 and 0.00004; TOPMed 0.00004; gnomAD exomes 0.00008 and 0.00017; 1000 Genomes Project 30x 0.00016; ExAC 0.00017; 1000 Genomes Project 0.00020.
gnomAD v4.1: 120 of 1,613,640 alleles (0.0074%); highest among the groups gnomAD compares: South Asian, 0.1%; 1 homozygote.

Submissions (3):

PreventionGenetics, part of Exact Sciences
Classification: Likely benign for SRP54-related condition. Last evaluated: 2026-06-01. Review status: criteria provided, single submitter. Criteria: ACMG Guidelines, 2015. Collection method: clinical testing. Allele origin: germline.
Comment: This variant is classified as likely benign based on ACMG/AMP sequence variant interpretation guidelines (Richards et al. 2015 PMID: 25741868, with internal and published modifications).

Labcorp Genetics (formerly Invitae), Labcorp
Classification: Benign. Last evaluated: 2025-06-02. Review status: criteria provided, single submitter. Criteria: Invitae Variant Classification Sherloc (09022015). Collection method: clinical testing. Allele origin: germline.

Blueprint Genetics
Classification: Likely benign. Last evaluated: 2024-11-06. Review status: criteria provided, single submitter. Criteria: ACMG Guidelines, 2015. Collection method: clinical testing. Allele origin: germline.

NM_003136.4(SRP54):c.1005A>G (p.Gln335=)

Gene: SRP54 (signal recognition particle 54; plus strand). Cytogenetic location: 14q13.2.
Variant type: single nucleotide variant.
Coding change: c.1005A>G on transcript NM_003136.4 (MANE Select); coding-DNA position 1005, A replaced by G.
Protein change: p.Gln335=; no amino-acid change (glutamine 335 retained).
Molecular consequence: synonymous variant.
Genome position (GRCh38, 1-based): chr14:35,018,723, A>G. VCF-style: chr14-35018723-A-G. GRCh37 (hg19) VCF-style: chr14-35487929-A-G.
Other names: c.858A>G, p.Gln286= (NM_001146282.2); c.1005A>G (NM_003136.3).
Identifiers: ClinVar variation 1564540 (VCV001564540.10), dbSNP rs578197977, ClinGen allele CA7153761.